The following is an entry in ClinVar:

NM_006214.4(PHYH):c.42_60dup (p.Ser21fs)

Genes: PHYH (phytanoyl-CoA 2-hydroxylase; minus strand), LOC130003374 (ATAC-STARR-seq lymphoblastoid silent region 2152; plus strand). Cytogenetic location: 10p13.
Variant type: Duplication.
Coding change: c.42_60dup on transcript NM_006214.4 (MANE Select); coding-DNA positions 42 to 60, 19 bases duplicated (GGGCCACCTCGGCCGCCCC).
Protein change: p.Ser21fs; shifts the reading frame from serine 21.
Molecular consequence: frameshift variant.
Genome position (GRCh38, 1-based): chr10:13,299,983-13,300,001, GGGGCGGCCGAGGTGGCCC duplicated on the plus strand (GGGCCACCTCGGCCGCCCC on the coding strand, the reverse complement: PHYH is on the minus strand). VCF-style (leftmost placement, unchanged base first): chr10-13299982-A-AGGGGCGGCCGAGGTGGCCC. GRCh37 (hg19) VCF-style: chr10-13341982-A-AGGGGCGGCCGAGGTGGCCC.
Other names: c.42_60dup, p.Ser21fs (NM_001323082.2, NM_001323083.2); short protein forms S21fs.
Identifiers: ClinVar variation 1454975 (VCV001454975.12), dbSNP rs1267819026, ClinGen allele CA592078945.

ClinVar aggregate classification (germline): Pathogenic. Review status: criteria provided, multiple submitters, no conflicts (2 of 4 stars). 4 submissions from 4 submitters: Pathogenic (4). Last evaluated 2025-12-02.

Conditions:
Refsum disease, classic. Also called: PHYH-Related Refsum Disease; HEREDOPATHIA ATACTICA POLYNEURITIFORMIS; HMSN IV; PHYTANIC ACID OXIDASE DEFICIENCY. Identifiers: Orphanet 773, MedGen C5780941, MONDO:1060256, OMIM 266500. Disease mechanism: loss of function.
PHYH-related disorder. Also called: PHYH-related condition.

Allele frequency attached by ClinVar (database versions not stated): gnomAD exomes below 0.00001; TOPMed below 0.00001.

Submissions (4):

Myriad Genetics, Inc.
Classification: Pathogenic for Refsum disease, classic. Last evaluated: 2025-12-02. Review status: criteria provided, single submitter. Criteria: Myriad Autosomal Dominant, Autosomal Recessive and X-Linked Classification Criteria (2023). Collection method: clinical testing. Allele origin: unknown.
Comment: NM_006214.3(PHYH):c.42_60dup19(S21Gfs*36) is a frameshift variant classified as pathogenic in the context of Refsum disease, PHYH-related. S21Gfs*36 has been observed in a case with relevant disease (PMID: 25604618). Relevant functional assessments of this variant are not available in the literature. S21Gfs*36 has not been observed in referenced population frequency databases. In summary, NM_006214.3(PHYH):c.42_60dup19(S21Gfs*36) is a frameshift variant in a gene where loss of function is a known mechanism of disease, is predicted to disrupt protein function, and has been observed more frequently in cases with the relevant disease than in healthy populations. Please note: this variant was assessed in the context of healthy population screening.

Baylor Genetics
Classification: Pathogenic for Refsum disease, classic. Last evaluated: 2024-02-25. Review status: criteria provided, single submitter. Criteria: ACMG Guidelines, 2015. Collection method: clinical testing. Allele origin: unknown.

Labcorp Genetics (formerly Invitae), Labcorp
Classification: Pathogenic. Last evaluated: 2024-01-28. Review status: criteria provided, single submitter. Criteria: Invitae Variant Classification Sherloc (09022015). Collection method: clinical testing. Allele origin: germline.
Comment: This sequence change creates a premature translational stop signal (p.Ser21Glyfs*36) in the PHYH gene. It is expected to result in an absent or disrupted protein product. Loss-of-function variants in PHYH are known to be pathogenic (PMID: 9326940, 14974078). This variant is not present in population databases (gnomAD no frequency). This premature translational stop signal has been observed in individual(s) with Refsum disease (PMID: 25604618). ClinVar contains an entry for this variant (Variation ID: 1454975). For these reasons, this variant has been classified as Pathogenic.

Blueprint Genetics
Classification: Pathogenic for PHYH-related disorders. Last evaluated: 2023-01-03. Review status: criteria provided, single submitter. Criteria: ACMG Guidelines, 2015. Collection method: clinical testing. Allele origin: germline. Affected: yes. Observed: 4 variant alleles.

Literature cited by the submitters: PubMed 25604618 (cited by Myriad Genetics, Inc. and Labcorp Genetics (formerly Invitae), Labcorp); PubMed 9326940 (cited by Labcorp Genetics (formerly Invitae), Labcorp); PubMed 14974078 (cited by Labcorp Genetics (formerly Invitae), Labcorp).